The following is an entry in ClinVar:

NM_001144967.3(NEDD4L):c.13C>T (p.Leu5Phe)

Genes: NEDD4L (NEDD4 like E3 ubiquitin protein ligase; plus strand), LOC130062568 (ATAC-STARR-seq lymphoblastoid silent region 9483; plus strand). Cytogenetic location: 18q21.31.
Variant type: single nucleotide variant.
Coding change: c.13C>T on transcript NM_001144967.3 (MANE Select); coding-DNA position 13, C replaced by T.
Protein change: p.Leu5Phe; replaces leucine 5 with phenylalanine.
Molecular consequence: missense variant.
Genome position (GRCh38, 1-based): chr18:58,044,673, C>T. VCF-style: chr18-58044673-C-T. GRCh37 (hg19) VCF-style: chr18-55711905-C-T.
Other names: c.13C>T, p.Leu5Phe (NM_001243960.2, NM_015277.6); short protein forms L5F.
Identifiers: ClinVar variation 695592 (VCV000695592.36), dbSNP rs201307997, ClinGen allele CA8975050.

ClinVar aggregate classification (germline): Likely benign. Review status: criteria provided, multiple submitters, no conflicts (2 of 4 stars). 4 submissions from 4 submitters: Likely benign (3). 1 of the submissions does not count toward it. Last evaluated 2026-01-19.

Conditions:
NEDD4L-related disorder. Also called: NEDD4L-related condition.

Allele frequency attached by ClinVar (database versions not stated): ESP Exome Variant Server 0.00026; gnomAD 0.00048 and 0.00049; TOPMed 0.00051; gnomAD exomes 0.00055 and 0.00061; ExAC 0.00076.

Submissions (4):

Labcorp Genetics (formerly Invitae), Labcorp
Classification: Likely benign. Last evaluated: 2026-01-19. Review status: criteria provided, single submitter. Criteria: Invitae Variant Classification Sherloc (09022015). Collection method: clinical testing. Allele origin: germline.

CeGaT Center for Human Genetics Tuebingen
Classification: Likely benign. Last evaluated: 2023-09-01. Review status: criteria provided, single submitter. Criteria: CeGaT Center For Human Genetics Tuebingen Variant Classification Criteria Version 2. Collection method: clinical testing. Allele origin: germline. Affected: yes. Observed: 1 variant allele.
Comment: NEDD4L: BS1

Breakthrough Genomics
Classification: Likely benign. Review status: criteria provided, single submitter. Criteria: ACMG Guidelines, 2015. Collection method: not provided. Allele origin: germline. Inheritance: Autosomal dominant inheritance. Affected: yes.

PreventionGenetics, part of Exact Sciences
Classification: Likely benign for NEDD4L-related condition. Last evaluated: 2024-03-27. Review status: no assertion criteria provided. Collection method: clinical testing. Allele origin: germline. Not counted in ClinVar's aggregate classification.
Comment: This variant is classified as likely benign based on ACMG/AMP sequence variant interpretation guidelines (Richards et al. 2015 PMID: 25741868, with internal and published modifications).